The following is an entry in ClinVar:

ClinVar aggregate classification (germline): Uncertain significance. Review status: criteria provided, multiple submitters, no conflicts (2 of 4 stars). 2 submissions from 2 submitters: Uncertain significance (2). Last evaluated 2021-11-03.

Conditions:
Hereditary cancer-predisposing syndrome. Also called: Hereditary neoplastic syndrome; Neoplastic Syndromes, Hereditary; Tumor predisposition; Hereditary Cancer Syndrome. Identifiers: Orphanet 140162, MedGen C0027672, MeSH D009386, MONDO:0015356.

gnomAD v4.1: 3 of 1,614,018 alleles (0.00019%); highest among the groups gnomAD compares: Non-Finnish European, 0.00025%; no homozygotes.

Submissions (2):

Institute for Clinical Genetics, University Hospital TU Dresden, University Hospital TU Dresden
Classification: Uncertain significance. Last evaluated: 2021-11-03. Review status: criteria provided, single submitter. Criteria: ACMG Guidelines, 2015. Collection method: clinical testing. Allele origin: germline.

Ambry Genetics
Classification: Uncertain significance for Hereditary cancer-predisposing syndrome. Last evaluated: 2021-03-24. Review status: criteria provided, single submitter. Criteria: Ambry Variant Classification Scheme 2023. Collection method: clinical testing. Allele origin: germline.
Comment: The p.E273Q variant (also known as c.817G>C), located in coding exon 7 of the FANCC gene, results from a G to C substitution at nucleotide position 817. The glutamic acid at codon 273 is replaced by glutamine, an amino acid with highly similar properties. This amino acid position is well conserved in available vertebrate species. In addition, this alteration is predicted to be tolerated by in silico analysis. Since supporting evidence is limited at this time, the clinical significance of this alteration remains unclear.

NM_000136.3(FANCC):c.817G>C (p.Glu273Gln)

Genes: AOPEP (aminopeptidase O (putative); plus strand), FANCC (FA complementation group C; minus strand). Cytogenetic location: 9q22.32.
Variant type: single nucleotide variant.
Coding change: c.817G>C on transcript NM_000136.3 (MANE Select); coding-DNA position 817, G replaced by C.
Protein change: p.Glu273Gln; replaces glutamic acid 273 with glutamine.
Molecular consequence: missense variant.
Genome position (GRCh38, 1-based): chr9:95,135,372, C>G on the plus strand (G>C on the coding strand, the complement: FANCC is on the minus strand). VCF-style: chr9-95135372-C-G. GRCh37 (hg19) VCF-style: chr9-97897654-C-G.
Other names: c.817G>C, p.Glu273Gln (NM_001243743.2, NM_001243744.2); short protein forms E273Q.
Identifiers: ClinVar variation 1319510 (VCV001319510.5), dbSNP rs143181565, ClinGen allele CA5137630.